The following is an entry in ClinVar:

NM_014141.6(CNTNAP2):c.239A>G (p.Asp80Gly)

Gene: CNTNAP2 (contactin associated protein 2; plus strand). Cytogenetic location: 7q35.
Variant type: single nucleotide variant.
Coding change: c.239A>G on transcript NM_014141.6 (MANE Select); coding-DNA position 239, A replaced by G.
Protein change: p.Asp80Gly; replaces aspartic acid 80 with glycine.
Molecular consequence: missense variant.
Genome position (GRCh38, 1-based): chr7:146,839,741, A>G. VCF-style: chr7-146839741-A-G. GRCh37 (hg19) VCF-style: chr7-146536833-A-G.
Other names: short protein forms D80G.
Identifiers: ClinVar variation 2631799 (VCV002631799.3), dbSNP rs2485654768, ClinGen allele CA369922523.

ClinVar aggregate classification (germline): Uncertain significance. Review status: criteria provided, multiple submitters, no conflicts (2 of 4 stars). 2 submissions from 2 submitters: Uncertain significance (2). Last evaluated 2023-07-27.

Conditions:
Cortical dysplasia-focal epilepsy syndrome (PTHSL1). Also called: Pitt-Hopkins-like syndrome 1. Identifiers: Orphanet 163681, Orphanet 221150, MedGen C2750246, MONDO:0012400, OMIM 610042.
Autism, susceptibility to, 15. Also called: Autism susceptibility 15. Identifiers: MedGen C2677504, MONDO:0012801, OMIM 612100.
CNTNAP2-related disorder. Also called: CNTNAP2-related condition.

Submissions (2):

PreventionGenetics, part of Exact Sciences
Classification: Uncertain significance for CNTNAP2-related condition. Last evaluated: 2023-07-27. Review status: criteria provided, single submitter. Criteria: ACMG Guidelines, 2015. Collection method: clinical testing. Allele origin: germline.
Comment: The CNTNAP2 c.239A>G variant is predicted to result in the amino acid substitution p.Asp80Gly. To our knowledge, this variant has not been reported in the literature or in a large population database, indicating this variant is rare. At this time, the clinical significance of this variant is uncertain due to the absence of conclusive functional and genetic evidence.

Juno Genomics, Hangzhou Juno Genomics, Inc
Classification: Uncertain significance for Autism, susceptibility to, 15; Cortical dysplasia-focal epilepsy syndrome. Review status: criteria provided, single submitter. Criteria: ACMG Guidelines, 2015. Collection method: clinical testing. Allele origin: germline.
Comment: Absent from controls (or at extremely low frequency if recessive) in Genome Aggregation Database.;Multiple lines of computational evidence support a deleterious effect on the gene or gene product.